The following is an entry in ClinVar:

NM_024741.3(ZNF408):c.183G>C (p.Leu61Phe)

Gene: ZNF408 (zinc finger protein 408; plus strand). Cytogenetic location: 11p11.2.
Variant type: single nucleotide variant.
Coding change: c.183G>C on transcript NM_024741.3 (MANE Select); coding-DNA position 183, G replaced by C.
Protein change: p.Leu61Phe; replaces leucine 61 with phenylalanine.
Molecular consequence: missense variant.
Genome position (GRCh38, 1-based): chr11:46,701,529, G>C. VCF-style: chr11-46701529-G-C. GRCh37 (hg19) VCF-style: chr11-46723079-G-C.
Other names: c.159G>C, p.Leu53Phe (NM_001184751.2); short protein forms L53F, L61F.
Identifiers: ClinVar variation 4722961 (VCV004722961.1).

ClinVar aggregate classification (germline): Uncertain significance (1 of 4 stars; one submission).

Submission:

Labcorp Genetics (formerly Invitae), Labcorp
Classification: Uncertain significance. Last evaluated: 2025-07-09. Review status: criteria provided, single submitter. Criteria: Invitae Variant Classification Sherloc (09022015). Collection method: clinical testing. Allele origin: germline.
Comment: This sequence change replaces leucine, which is neutral and non-polar, with phenylalanine, which is neutral and non-polar, at codon 61 of the ZNF408 protein (p.Leu61Phe). This variant is not present in population databases (gnomAD no frequency). This variant has not been reported in the literature in individuals affected with ZNF408-related conditions. An algorithm developed to predict the effect of missense changes on protein structure and function (PolyPhen-2) suggests that this variant is likely to be disruptive. In summary, the available evidence is currently insufficient to determine the role of this variant in disease. Therefore, it has been classified as a Variant of Uncertain Significance.